The following is an entry in ClinVar:

ClinVar aggregate classification (germline): Likely benign (0 of 4 stars; one submission).

Conditions:
POLQ-related disorder. Also called: POLQ-related condition.

Submission:

PreventionGenetics, part of Exact Sciences
Classification: Likely benign for POLQ-related condition. Last evaluated: 2019-11-26. Review status: no assertion criteria provided. Collection method: clinical testing. Allele origin: germline.
Comment: This variant is classified as likely benign based on ACMG/AMP sequence variant interpretation guidelines (Richards et al. 2015 PMID: 25741868, with internal and published modifications).

NM_199420.4(POLQ):c.5774-6_5774-5dup

Gene: POLQ (DNA polymerase theta; minus strand). Cytogenetic location: 3q13.33.
Variant type: Duplication.
Coding change: c.5774-6_5774-5dup on transcript NM_199420.4 (MANE Select); 6 bases into the intron before coding-DNA position 5774 through 5 bases into the intron before coding-DNA position 5774, 2 bases duplicated (TT; older notation c.5774-6_5774-5dupTT).
Molecular consequence: intron variant.
Genome position (GRCh38, 1-based): chr3:121,483,587-121,483,588, AA duplicated on the plus strand (TT on the coding strand, the reverse complement: POLQ is on the minus strand); duplicating any 2 consecutive bases within chr3:121,483,587-121,483,603 gives the same sequence; the c. name uses the placement nearest the transcript's 3' end. VCF-style (leftmost placement, unchanged base first): chr3-121483586-T-TAA. GRCh37 (hg19) VCF-style: chr3-121202433-T-TAA.
Identifiers: ClinVar variation 3034025 (VCV003034025.2), dbSNP rs78578025, ClinGen allele CA2562640.